The following is an entry in ClinVar:

ClinVar aggregate classification (germline): Benign/Likely benign. Review status: criteria provided, multiple submitters, no conflicts (2 of 4 stars). 3 submissions from 3 submitters: Benign (1); Likely benign (2). Last evaluated 2024-11-11.

Conditions:
Renal cell carcinoma. Identifiers: Orphanet 217071, MedGen C0007134, MeSH D002292, MONDO:0005086, HP:0005584.
Hereditary cancer-predisposing syndrome. Also called: Tumor predisposition; Hereditary Cancer Syndrome; Neoplastic Syndromes, Hereditary; Hereditary neoplastic syndrome. Identifiers: Orphanet 140162, MedGen C0027672, MeSH D009386, MONDO:0015356.
Papillary renal cell carcinoma type 1 (RCCP1). Also called: RENAL CELL CARCINOMA, PAPILLARY, 1, SOMATIC; Renal adenocarcinoma; Renal cell carcinoma 1; Renal cell carcinoma, somatic. Identifiers: Orphanet 47044, MedGen C1336839, OMIM 605074, HP:0011797.

Submissions (3):

Myriad Genetics, Inc.
Classification: Benign for Papillary renal cell carcinoma type 1. Last evaluated: 2024-11-11. Review status: criteria provided, single submitter. Criteria: Myriad Autosomal Dominant, Autosomal Recessive and X-Linked Classification Criteria (2023). Collection method: clinical testing. Allele origin: unknown.
Comment: This variant is considered benign. This variant is a silent/synonymous amino acid change and it is not expected to impact splicing.

Ambry Genetics
Classification: Likely benign for Hereditary cancer-predisposing syndrome. Last evaluated: 2022-10-17. Review status: criteria provided, single submitter. Criteria: Ambry Variant Classification Scheme 2023. Collection method: clinical testing. Allele origin: germline.

Labcorp Genetics (formerly Invitae), Labcorp
Classification: Likely benign for Renal cell carcinoma. Last evaluated: 2021-12-22. Review status: criteria provided, single submitter. Criteria: Invitae Variant Classification Sherloc (09022015). Collection method: clinical testing. Allele origin: germline.

NM_000245.4(MET):c.2520G>A (p.Val840=)

Gene: MET (MET proto-oncogene, receptor tyrosine kinase; plus strand). Cytogenetic location: 7q31.2.
Variant type: single nucleotide variant.
Coding change: c.2520G>A on transcript NM_000245.4 (MANE Select); coding-DNA position 2520, G replaced by A.
Protein change: p.Val840=; no amino-acid change (valine 840 retained).
Molecular consequence: synonymous variant.
Genome position (GRCh38, 1-based): chr7:116,763,205, G>A. VCF-style: chr7-116763205-G-A. GRCh37 (hg19) VCF-style: chr7-116403259-G-A.
Other names: c.2574G>A, p.Val858= (NM_001127500.3); c.2520G>A, p.Val840= (NM_001324401.3); c.1230G>A, p.Val410= (NM_001324402.2).
Identifiers: ClinVar variation 1793292 (VCV001793292.8), dbSNP rs2485742546, ClinGen allele CA457441470.